The following is an entry in ClinVar:

ClinVar aggregate classification (germline): Likely benign. Review status: criteria provided, single submitter (1 of 4 stars). 2 submissions from 2 submitters: Likely benign (1). 1 of the submissions does not count toward it. Last evaluated 2024-04-17.

Conditions:
TNFAIP3-related disorder. Also called: TNFAIP3-related condition.

gnomAD v4.1: 8 of 1,614,090 alleles (0.0005%); highest among the groups gnomAD compares: Admixed American, 0.0033%; no homozygotes.

Submissions (2):

Labcorp Genetics (formerly Invitae), Labcorp
Classification: Likely benign. Last evaluated: 2024-04-17. Review status: criteria provided, single submitter. Criteria: Invitae Variant Classification Sherloc (09022015). Collection method: clinical testing. Allele origin: germline.

PreventionGenetics, part of Exact Sciences
Classification: Likely benign for TNFAIP3-related condition. Last evaluated: 2021-10-26. Review status: no assertion criteria provided. Collection method: clinical testing. Allele origin: germline. Not counted in ClinVar's aggregate classification.
Comment: This variant is classified as likely benign based on ACMG/AMP sequence variant interpretation guidelines (Richards et al. 2015 PMID: 25741868, with internal and published modifications).

NM_001270508.2(TNFAIP3):c.1368G>A (p.Gly456=)

Gene: TNFAIP3 (TNF alpha induced protein 3; plus strand). Cytogenetic location: 6q23.3.
Variant type: single nucleotide variant.
Coding change: c.1368G>A on transcript NM_001270508.2 (MANE Select); coding-DNA position 1368, G replaced by A.
Protein change: p.Gly456=; no amino-acid change (glycine 456 retained).
Molecular consequence: synonymous variant.
Genome position (GRCh38, 1-based): chr6:137,878,813, G>A. VCF-style: chr6-137878813-G-A. GRCh37 (hg19) VCF-style: chr6-138199950-G-A.
Other names: c.1368G>A (NM_006290.3); c.1368G>A, p.Gly456= (NM_001270507.2, NM_006290.4).
Identifiers: ClinVar variation 2879368 (VCV002879368.5), dbSNP rs201600532, ClinGen allele CA452433143.
Genomic context (GRCh38, chr6:137,878,813, plus strand): 5'-GGCCTCTCGGGGAGAAGCCTATGAGCCCTTGGCGTGGAACCCTGAGGAGTCCACTGGGGG[G>A]CCTCATTCGGCCCCACCGACAGCACCCAGCCCTTTTCTGTTCAGTGAGACCACTGCCATG-3'
Protein context (NP_001257437.1, residues 446-466): LAWNPEESTG[Gly456=]PHSAPPTAPS